The following is an entry in ClinVar:

NM_014712.3(SETD1A):c.1381C>T (p.Arg461Cys)

Gene: SETD1A (SET domain containing 1A, histone lysine methyltransferase; plus strand). Cytogenetic location: 16p11.2.
Variant type: single nucleotide variant.
Coding change: c.1381C>T on transcript NM_014712.3 (MANE Select); coding-DNA position 1381, C replaced by T.
Protein change: p.Arg461Cys; replaces arginine 461 with cysteine.
Molecular consequence: missense variant.
Genome position (GRCh38, 1-based): chr16:30,965,123, C>T. VCF-style: chr16-30965123-C-T. GRCh37 (hg19) VCF-style: chr16-30976444-C-T.
Other names: short protein forms R461C.
Identifiers: ClinVar variation 2404727 (VCV002404727.3), dbSNP rs377325319, ClinGen allele CA8016666.

ClinVar aggregate classification (germline): Uncertain significance. Review status: criteria provided, multiple submitters, no conflicts (2 of 4 stars). 2 submissions from 2 submitters: Uncertain significance (2). Last evaluated 2025-10-07.

Conditions:
Epilepsy, early-onset, with or without developmental delay. Identifiers: MedGen C5882670, MONDO:0030005, OMIM 618832.
Inborn genetic diseases. Identifiers: MedGen C0950123, MeSH D030342.

Submissions (2):

Clinical Genomic Analysis (GENYSIS) Core, University of North Carolina at Chapel Hill
Classification: Uncertain significance for Epilepsy, early-onset, with or without developmental delay. Last evaluated: 2025-10-07. Review status: criteria provided, single submitter. Criteria: ACMG Guidelines, 2015. Collection method: research. Allele origin: maternal. Observed: 1 heterozygote. Study: UNC Genetic Determinants of Neurological and Developmental Disorders (GDNDD) Study.
Comment: SETD1A c.1381C>T, p.(Arg461Cys), is a missense variant in exon 7 of 19 that changes a single amino acid from an arginine to a cysteine. This variant is present at a maximum population allele frequency of 0.007% (83/1179924 alleles) in gnomADv4.1 and reported as a variant of uncertain significance in ClinVar. In addition, in silico pathogenicity prediction models are conflicting. Given the available evidence, this variant is classified as a variant of uncertain significance.

Ambry Genetics
Classification: Uncertain significance for Inborn genetic diseases. Last evaluated: 2021-10-11. Review status: criteria provided, single submitter. Criteria: Ambry Variant Classification Scheme 2023. Collection method: clinical testing. Allele origin: germline.